The following is an entry in ClinVar:

ClinVar aggregate classification (germline): Benign/Likely benign. Review status: criteria provided, multiple submitters, no conflicts (2 of 4 stars). 5 submissions from 5 submitters: Benign (1); Likely benign (4). Last evaluated 2026-01-20.

Allele frequency attached by ClinVar (database versions not stated): gnomAD 0.00051; ESP Exome Variant Server 0.00054; gnomAD exomes 0.00060 and 0.00094; ExAC 0.00089; TOPMed 0.00092; 1000 Genomes Project 0.00140; 1000 Genomes Project 30x 0.00156.
gnomAD v4.1: 1,086 of 1,614,206 alleles (0.067%); highest among the groups gnomAD compares: Middle Eastern, 2.2%; 5 homozygotes.

Submissions (5):

Labcorp Genetics (formerly Invitae), Labcorp
Classification: Benign. Last evaluated: 2026-01-20. Review status: criteria provided, single submitter. Criteria: Invitae Variant Classification Sherloc (09022015). Collection method: clinical testing. Allele origin: germline.

Mayo Clinic Laboratories, Mayo Clinic
Classification: Likely benign. Last evaluated: 2025-10-28. Review status: criteria provided, single submitter. Criteria: ACMG Guidelines, 2015. Collection method: clinical testing. Allele origin: germline. Observed: 11 variant alleles.
Comment: BS2, BP4, BP7

CeGaT Center for Human Genetics Tuebingen
Classification: Likely benign. Last evaluated: 2025-05-01. Review status: criteria provided, single submitter. Criteria: CeGaT Center For Human Genetics Tuebingen Variant Classification Criteria Version 2. Collection method: clinical testing. Allele origin: germline. Affected: yes. Observed: 5 variant alleles.
Comment: SPTB: BP4, BP7

ARUP Laboratories, Molecular Genetics and Genomics, ARUP Laboratories
Classification: Likely benign. Last evaluated: 2024-12-10. Review status: criteria provided, single submitter. Criteria: ARUP Molecular Germline Variant Investigation Process 2024. Collection method: clinical testing. Allele origin: germline.

Blueprint Genetics
Classification: Likely benign. Last evaluated: 2024-10-24. Review status: criteria provided, single submitter. Criteria: ACMG Guidelines, 2015. Collection method: clinical testing. Allele origin: germline.

NM_001355436.2(SPTB):c.6174G>A (p.Thr2058=)

Gene: SPTB (spectrin beta, erythrocytic; minus strand). Cytogenetic location: 14q23.3.
Variant type: single nucleotide variant.
Coding change: c.6174G>A on transcript NM_001355436.2 (MANE Select); coding-DNA position 6174, G replaced by A.
Protein change: p.Thr2058=; no amino-acid change (threonine 2058 retained).
Molecular consequence: synonymous variant.
Genome position (GRCh38, 1-based): chr14:64,767,708, C>T on the plus strand (G>A on the coding strand, the complement: SPTB is on the minus strand). VCF-style: chr14-64767708-C-T. GRCh37 (hg19) VCF-style: chr14-65234426-C-T.
Other names: p.Thr2058=; c.6174G>A, p.Thr2058= (NM_001024858.4, NM_001355437.2).
Identifiers: ClinVar variation 313703 (VCV000313703.53), dbSNP rs146561732, ClinGen allele CA7229749.
Genomic context (GRCh38, chr14:64,767,708, plus strand): 5'-CTGTTCCCTGCTCACCGTGGTGGGCTTCTCCAGGGCAGCAAAGCGCTCTGCCCAGCTGGC[C>T]GTGGACTTCTCAAAAGCCTCATGCCTCTTGATGAGCTTCTCCACACTGTCCACTGTGTGT-3'
Protein context (NP_001342365.1, residues 2048-2068): IKRHEAFEKS[Thr2058=]ASWAERFAAL